The following is an entry in ClinVar:

ClinVar aggregate classification (germline): Uncertain significance. Review status: criteria provided, multiple submitters, no conflicts (2 of 4 stars). 4 submissions from 4 submitters: Uncertain significance (4). Last evaluated 2026-08-05.

Conditions:
Inborn genetic diseases. Identifiers: MedGen C0950123, MeSH D030342.
Holoprosencephaly 5 (HPE5). Identifiers: Orphanet 2162, MedGen C1864827, MONDO:0012322, OMIM 609637.

Allele frequency attached by ClinVar (database versions not stated): gnomAD exomes 0.00001; gnomAD 0.00002 and 0.00003; TOPMed 0.00006.

Submissions (4):

Ambry Genetics
Classification: Uncertain significance for Inborn genetic diseases. Last evaluated: 2026-08-05. Review status: criteria provided, single submitter. Criteria: Ambry Variant Classification Scheme 2023. Collection method: clinical testing. Allele origin: germline.
Comment: The c.1361C>T (p.S454F) alteration is located in exon 3 (coding exon 3) of the ZIC2 gene. This alteration results from a C to T substitution at nucleotide position 1361, causing the serine (S) at amino acid position 454 to be replaced by a phenylalanine (F). Based on data from gnomAD, the T allele has an overall frequency of 0.001% (1/138942) total alleles studied. The highest observed frequency was 0.007% (1/14854) of Latino alleles. Based on insufficient or conflicting evidence, the clinical significance of this alteration remains unclear.

Labcorp Genetics (formerly Invitae), Labcorp
Classification: Uncertain significance for Holoprosencephaly 5. Last evaluated: 2025-02-15. Review status: criteria provided, single submitter. Criteria: Invitae Variant Classification Sherloc (09022015). Collection method: clinical testing. Allele origin: germline.
Comment: This sequence change replaces serine, which is neutral and polar, with phenylalanine, which is neutral and non-polar, at codon 454 of the ZIC2 protein (p.Ser454Phe). The frequency data for this variant in the population databases is considered unreliable, as metrics indicate poor data quality at this position in the gnomAD database. This variant has not been reported in the literature in individuals affected with ZIC2-related conditions. ClinVar contains an entry for this variant (Variation ID: 1341835). Invitae Evidence Modeling of protein sequence and biophysical properties (such as structural, functional, and spatial information, amino acid conservation, physicochemical variation, residue mobility, and thermodynamic stability) has been performed for this missense variant. However, the output from this modeling did not meet the statistical confidence thresholds required to predict the impact of this variant on ZIC2 protein function. In summary, the available evidence is currently insufficient to determine the role of this variant in disease. Therefore, it has been classified as a Variant of Uncertain Significance.

Fulgent Genetics
Classification: Uncertain significance for Holoprosencephaly 5. Last evaluated: 2022-01-03. Review status: criteria provided, single submitter. Criteria: ACMG Guidelines, 2015. Collection method: clinical testing. Allele origin: unknown.

New York Genome Center
Classification: Uncertain significance for Holoprosencephaly 5. Last evaluated: 2021-01-29. Review status: criteria provided, single submitter. Criteria: NYGC Assertion Criteria 2020. Collection method: clinical testing. Allele origin: inherited. Observed: 1 heterozygote. Study: CSER-NYCKidSeq.

NM_007129.5(ZIC2):c.1361C>T (p.Ser454Phe)

Gene: ZIC2 (Zic family zinc finger 2; plus strand). Cytogenetic location: 13q32.3.
Variant type: single nucleotide variant.
Coding change: c.1361C>T on transcript NM_007129.5 (MANE Select); coding-DNA position 1361, C replaced by T.
Protein change: p.Ser454Phe; replaces serine 454 with phenylalanine.
Molecular consequence: missense variant.
Genome position (GRCh38, 1-based): chr13:99,985,444, C>T. VCF-style: chr13-99985444-C-T. GRCh37 (hg19) VCF-style: chr13-100637698-C-T.
Other names: c.1361C>T (NM_007129.3); short protein forms S454F.
Identifiers: ClinVar variation 1341835 (VCV001341835.7), dbSNP rs969318004, ClinGen allele CA255397077.